The following is an entry in ClinVar:

ClinVar aggregate classification (germline): Uncertain significance (1 of 4 stars; one submission).

Allele frequency attached by ClinVar (database versions not stated): TOPMed below 0.00001.

Submission:

Labcorp Genetics (formerly Invitae), Labcorp
Classification: Uncertain significance. Last evaluated: 2023-07-22. Review status: criteria provided, single submitter. Criteria: Invitae Variant Classification Sherloc (09022015). Collection method: clinical testing. Allele origin: germline.
Comment: This variant has not been reported in the literature in individuals affected with ADGRE2-related conditions. This sequence change replaces lysine, which is basic and polar, with glutamine, which is neutral and polar, at codon 110 of the ADGRE2 protein (p.Lys110Gln). This variant is not present in population databases (gnomAD no frequency). Algorithms developed to predict the effect of missense changes on protein structure and function output the following: SIFT: "Not Available"; PolyPhen-2: "Benign"; Align-GVGD: "Not Available". The glutamine amino acid residue is found in multiple mammalian species, which suggests that this missense change does not adversely affect protein function. In summary, the available evidence is currently insufficient to determine the role of this variant in disease. Therefore, it has been classified as a Variant of Uncertain Significance.

NM_013447.4(ADGRE2):c.328A>C (p.Lys110Gln)

Gene: ADGRE2 (adhesion G protein-coupled receptor E2; minus strand). Cytogenetic location: 19p13.12.
Variant type: single nucleotide variant.
Coding change: c.328A>C on transcript NM_013447.4 (MANE Select); coding-DNA position 328, A replaced by C.
Protein change: p.Lys110Gln; replaces lysine 110 with glutamine.
Molecular consequence: missense variant.
Genome position (GRCh38, 1-based): chr19:14,772,369, T>G on the plus strand (A>C on the coding strand, the complement: ADGRE2 is on the minus strand). VCF-style: chr19-14772369-T-G. GRCh37 (hg19) VCF-style: chr19-14883181-T-G.
Other names: c.328A>C, p.Lys110Gln (NM_001271052.1, NM_152916.2, NM_152917.2); short protein forms K110Q.
Identifiers: ClinVar variation 2745880 (VCV002745880.3), dbSNP rs2044242271, ClinGen allele CA404463669.